The following is an entry in ClinVar:

ClinVar aggregate classification (germline): Uncertain significance. Review status: criteria provided, multiple submitters, no conflicts (2 of 4 stars). 2 submissions from 2 submitters: Uncertain significance (2). Last evaluated 2025-01-03.

Conditions:
5-Oxoprolinase deficiency (OPLAHD). Also called: 5-OXOPROLINURIA DUE TO 5-OXOPROLINASE DEFICIENCY. Identifiers: Orphanet 33572, MedGen C0268525, MONDO:0009825, OMIM 260005, HP:0040142.

Allele frequency attached by ClinVar (database versions not stated): gnomAD 0.00001; gnomAD exomes 0.00001; TOPMed 0.00002.
gnomAD v4.1: 15 of 1,612,032 alleles (0.00093%); highest among the groups gnomAD compares: Admixed American, 0.013%; 1 homozygote.

Submissions (2):

Ambry Genetics
Classification: Uncertain significance. Last evaluated: 2025-01-03. Review status: criteria provided, single submitter. Criteria: Ambry Variant Classification Scheme 2023. Collection method: clinical testing. Allele origin: germline.

Labcorp Genetics (formerly Invitae), Labcorp
Classification: Uncertain significance for 5-Oxoprolinase deficiency. Last evaluated: 2022-09-21. Review status: criteria provided, single submitter. Criteria: Invitae Variant Classification Sherloc (09022015). Collection method: clinical testing. Allele origin: germline.
Comment: This sequence change replaces serine, which is neutral and polar, with cysteine, which is neutral and slightly polar, at codon 364 of the OPLAH protein (p.Ser364Cys). This variant is not present in population databases (gnomAD no frequency). This variant has not been reported in the literature in individuals affected with OPLAH-related conditions. ClinVar contains an entry for this variant (Variation ID: 1428384). Algorithms developed to predict the effect of missense changes on protein structure and function are either unavailable or do not agree on the potential impact of this missense change (SIFT: "Not Available"; PolyPhen-2: "Benign"; Align-GVGD: "Not Available"). In summary, the available evidence is currently insufficient to determine the role of this variant in disease. Therefore, it has been classified as a Variant of Uncertain Significance.

NM_017570.5(OPLAH):c.1091C>G (p.Ser364Cys)

Gene: OPLAH (5-oxoprolinase, ATP-hydrolysing; minus strand). Cytogenetic location: 8q24.3.
Variant type: single nucleotide variant.
Coding change: c.1091C>G on transcript NM_017570.5 (MANE Select); coding-DNA position 1091, C replaced by G.
Protein change: p.Ser364Cys; replaces serine 364 with cysteine.
Molecular consequence: missense variant.
Genome position (GRCh38, 1-based): chr8:144,057,921, G>C on the plus strand (C>G on the coding strand, the complement: OPLAH is on the minus strand). VCF-style: chr8-144057921-G-C. GRCh37 (hg19) VCF-style: chr8-145112824-G-C.
Other names: c.1091C>G (NM_017570.3); short protein forms S364C.
Identifiers: ClinVar variation 1428384 (VCV001428384.4), dbSNP rs980100537, ClinGen allele CA187617654.